The following is an entry in ClinVar:

ClinVar aggregate classification (germline): Benign (0 of 4 stars; one submission).

Conditions:
LENG8-related disorder. Also called: LENG8-related condition.

Allele frequency attached by ClinVar (database versions not stated): ESP Exome Variant Server 0.00008; TOPMed 0.00078; gnomAD 0.00080; 1000 Genomes Project 0.00300; 1000 Genomes Project 30x 0.00328.

Submission:

PreventionGenetics, part of Exact Sciences
Classification: Benign for LENG8-related condition. Last evaluated: 2019-07-10. Review status: no assertion criteria provided. Collection method: clinical testing. Allele origin: germline.
Comment: This variant is classified as benign based on ACMG/AMP sequence variant interpretation guidelines (Richards et al. 2015 PMID: 25741868, with internal and published modifications).

NM_052925.4(LENG8):c.255G>C (p.Gln85His)

Gene: LENG8 (leukocyte receptor cluster member 8; plus strand). Cytogenetic location: 19q13.42.
Variant type: single nucleotide variant.
Coding change: c.255G>C on transcript NM_052925.4 (MANE Select); coding-DNA position 255, G replaced by C.
Protein change: p.Gln85His; replaces glutamine 85 with histidine.
Molecular consequence: missense variant.
Genome position (GRCh38, 1-based): chr19:54,452,692, G>C. VCF-style: chr19-54452692-G-C. GRCh37 (hg19) VCF-style: chr19-54963871-G-C.
Other names: c.255G>C, p.Gln85His (NM_001375638.1, NM_001375640.1, NM_001375641.1 and 1 more transcripts); c.201G>C, p.Gln67His (NM_001375639.1); short protein forms Q67H, Q85H.
Identifiers: ClinVar variation 3049713 (VCV003049713.2), dbSNP rs146623714, ClinGen allele CA309654869.